The following is an entry in ClinVar:

NM_181507.2(HPS5):c.2716C>T (p.Arg906Trp)

Gene: HPS5 (HPS5 biogenesis of lysosomal organelles complex 2 subunit 2; minus strand). Cytogenetic location: 11p15.1.
Variant type: single nucleotide variant.
Coding change: c.2716C>T on transcript NM_181507.2 (MANE Select); coding-DNA position 2716, C replaced by T.
Protein change: p.Arg906Trp; replaces arginine 906 with tryptophan.
Molecular consequence: missense variant.
Genome position (GRCh38, 1-based): chr11:18,287,536, G>A on the plus strand (C>T on the coding strand, the complement: HPS5 is on the minus strand). VCF-style: chr11-18287536-G-A. GRCh37 (hg19) VCF-style: chr11-18309083-G-A.
Other names: p.Arg906Trp; c.2374C>T, p.Arg792Trp (NM_007216.4, NM_181508.2); short protein forms R906W, R792W.
Identifiers: ClinVar variation 878775 (VCV000878775.9), dbSNP rs775281184, ClinGen allele CA5909792.

ClinVar aggregate classification (germline): Uncertain significance. Review status: criteria provided, multiple submitters, no conflicts (2 of 4 stars). 4 submissions from 4 submitters: Uncertain significance (4). Last evaluated 2024-12-10.

Conditions:
Hermansky-Pudlak syndrome 5 (HPS5). Identifiers: Orphanet 231512, Orphanet 79430, MedGen C3888004, MONDO:0013557, OMIM 614074.

Allele frequency attached by ClinVar (database versions not stated): gnomAD exomes 0.00001; TOPMed 0.00001; ExAC 0.00002; gnomAD 0.00001.
gnomAD v4.1: 12 of 1,613,880 alleles (0.00074%); highest among the groups gnomAD compares: Middle Eastern, 0.066%; no homozygotes.

Submissions (4):

Mayo Clinic Laboratories, Mayo Clinic
Classification: Uncertain significance. Last evaluated: 2024-12-10. Review status: criteria provided, single submitter. Criteria: ACMG Guidelines, 2015. Collection method: clinical testing. Allele origin: germline. Observed: 1 variant allele.
Comment: BP4, PM2_supporting

Women's Health and Genetics/Laboratory Corporation of America, LabCorp
Classification: Uncertain significance. Last evaluated: 2024-02-01. Review status: criteria provided, single submitter. Criteria: LabCorp Variant Classification Summary - May 2015. Collection method: clinical testing. Allele origin: germline.
Comment: Variant summary: HPS5 c.2716C>T (p.Arg906Trp) results in a non-conservative amino acid change in the encoded protein sequence. Three of five in-silico tools predict a benign effect of the variant on protein function. Consensus agreement among computation tools predict no significant impact on normal splicing. However, these predictions have yet to be confirmed by functional studies. The variant allele was found at a frequency of 8e-06 in 251342 control chromosomes (gnomAD). The available data on variant occurrences in the general population are insufficient to allow any conclusion about variant significance. To our knowledge, no occurrence of c.2716C>T in individuals affected with Hermansky-Pudlak Syndrome and no experimental evidence demonstrating its impact on protein function have been reported. ClinVar contains an entry for this variant (Variation ID: 878775). Based on the evidence outlined above, the variant was classified as uncertain significance.

Labcorp Genetics (formerly Invitae), Labcorp
Classification: Uncertain significance. Last evaluated: 2022-10-24. Review status: criteria provided, single submitter. Criteria: Invitae Variant Classification Sherloc (09022015). Collection method: clinical testing. Allele origin: germline.
Comment: This sequence change replaces arginine, which is basic and polar, with tryptophan, which is neutral and slightly polar, at codon 906 of the HPS5 protein (p.Arg906Trp). This variant is present in population databases (rs775281184, gnomAD 0.002%). This variant has not been reported in the literature in individuals affected with HPS5-related conditions. ClinVar contains an entry for this variant (Variation ID: 878775). Algorithms developed to predict the effect of missense changes on protein structure and function output the following: SIFT: "Tolerated"; PolyPhen-2: "Benign"; Align-GVGD: "Class C0". The tryptophan amino acid residue is found in multiple mammalian species, which suggests that this missense change does not adversely affect protein function. In summary, the available evidence is currently insufficient to determine the role of this variant in disease. Therefore, it has been classified as a Variant of Uncertain Significance.

Illumina Laboratory Services, Illumina
Classification: Uncertain significance for Hermansky-Pudlak syndrome 5. Last evaluated: 2018-01-12. Review status: criteria provided, single submitter. Criteria: ICSL Variant Classification Criteria 13 December 2019. Collection method: clinical testing. Allele origin: germline.